The following is an entry in ClinVar:

NM_001346249.2(RALGAPA1):c.4709T>C (p.Met1570Thr)

Gene: RALGAPA1 (Ral GTPase activating protein catalytic subunit alpha 1; minus strand). Cytogenetic location: 14q13.2.
Variant type: single nucleotide variant.
Coding change: c.4709T>C on transcript NM_001346249.2 (MANE Select); coding-DNA position 4709, T replaced by C.
Protein change: p.Met1570Thr; replaces methionine 1570 with threonine.
Molecular consequence: missense variant.
Genome position (GRCh38, 1-based): chr14:35,674,625, A>G on the plus strand (T>C on the coding strand, the complement: RALGAPA1 is on the minus strand). VCF-style: chr14-35674625-A-G. GRCh37 (hg19) VCF-style: chr14-36143831-A-G.
Other names: c.3230T>C, p.Met1077Thr (NM_001283043.3); c.3332T>C, p.Met1111Thr (NM_001283044.3, NM_001346245.2, NM_001346247.2); c.4568T>C, p.Met1523Thr (NM_001330075.3, NM_001346248.2); c.3191T>C, p.Met1064Thr (NM_001346243.2, NM_001346246.2, NM_014990.3 and 1 more transcripts); short protein forms M1064T, M1077T, M1111T, M1523T, M1570T.
Identifiers: ClinVar variation 2644169 (VCV002644169.24), dbSNP rs1274244130, ClinGen allele CA389458288.

ClinVar aggregate classification (germline): Uncertain significance (1 of 4 stars; one submission).

Allele frequency attached by ClinVar (database versions not stated): gnomAD exomes 0.00001.

Submission:

CeGaT Center for Human Genetics Tuebingen
Classification: Uncertain significance. Last evaluated: 2023-09-01. Review status: criteria provided, single submitter. Criteria: CeGaT Center For Human Genetics Tuebingen Variant Classification Criteria Version 2. Collection method: clinical testing. Allele origin: germline. Affected: yes. Observed: 1 variant allele.
Comment: RALGAPA1: PM2